The following is an entry in ClinVar:

ClinVar aggregate classification (germline): Uncertain significance (1 of 4 stars; one submission).

Conditions:
IFT74-related disorder. Also called: IFT74-related condition; IFT74-Related Disorders.

Submission:

PreventionGenetics, part of Exact Sciences
Classification: Uncertain significance for IFT74-related condition. Last evaluated: 2025-08-07. Review status: criteria provided, single submitter. Criteria: ACMG Guidelines, 2015. Collection method: clinical testing. Allele origin: germline.
Comment: The IFT74 c.700A>G variant is predicted to result in the amino acid substitution p.Lys234Glu. To our knowledge, this variant has not been reported in the literature or in a large population database (gnomAD), indicating this variant is rare. At this time, the clinical significance of this variant is uncertain due to the absence of conclusive functional and genetic evidence.

NM_025103.4(IFT74):c.700A>G (p.Lys234Glu)

Gene: IFT74 (intraflagellar transport 74; plus strand). Cytogenetic location: 9p21.2.
Variant type: single nucleotide variant.
Coding change: c.700A>G on transcript NM_025103.4 (MANE Select); coding-DNA position 700, A replaced by G.
Protein change: p.Lys234Glu; replaces lysine 234 with glutamic acid.
Molecular consequence: missense variant.
Genome position (GRCh38, 1-based): chr9:27,009,132, A>G. VCF-style: chr9-27009132-A-G. GRCh37 (hg19) VCF-style: chr9-27009130-A-G.
Other names: c.700A>G, p.Lys234Glu (NM_001099222.3, NM_001099223.3, NM_001099224.3 and 1 more transcripts); short protein forms K234E.
Identifiers: ClinVar variation 5002463 (VCV005002463.1).